The following is an entry in ClinVar:

NM_138927.4(SON):c.4615_4617del (p.His1539del)

Gene: SON (SON DNA and RNA binding protein; plus strand). Cytogenetic location: 21q22.11.
Variant type: Deletion.
Coding change: c.4615_4617del on transcript NM_138927.4 (MANE Select); coding-DNA positions 4615 to 4617, 3 bases deleted (CAT; older notation c.4615_4617delCAT).
Protein change: p.His1539del; deletes histidine 1539.
Molecular consequence: inframe deletion. On other transcripts: inframe indel (3), non-coding transcript variant (1), intron variant (1).
Genome position (GRCh38, 1-based): chr21:33,553,846-33,553,848, CAT deleted; deleting any 3 consecutive bases within chr21:33,553,844-33,553,848 gives the same sequence; the c. name uses the placement nearest the transcript's 3' end. VCF-style (leftmost placement, unchanged base first): chr21-33553843-AATC-A. GRCh37 (hg19) VCF-style: chr21-34926149-AATC-A.
Other names: c.4615_4617del, p.His1539del (NM_001291411.2, NM_032195.3); c.4615_4617delCAT, p.His1539del (NM_001412133.1, NM_058183.2, NM_138926.1); c.245-3310_245-3308del (NM_001291412.3); short protein forms H1539del.
Identifiers: ClinVar variation 2993004 (VCV002993004.3), dbSNP rs761476767, ClinGen allele CA10009572.
Genomic context (GRCh38, chr21:33,553,843, plus strand): 5'-CACCTGAAAGGTGACTTTTACGAAAGTGAACATGGTATAAATATAGACCTTAATATAAAT[AATC>A]ATTTAATTGCTAAAGAGATGGAACATAATACAGTGTGTGCTGCTGGTACTAGTCCTGTTG-3'

ClinVar aggregate classification (germline): Uncertain significance (1 of 4 stars; one submission).

Submission:

Labcorp Genetics (formerly Invitae), Labcorp
Classification: Uncertain significance. Last evaluated: 2023-02-20. Review status: criteria provided, single submitter. Criteria: Invitae Variant Classification Sherloc (09022015). Collection method: clinical testing. Allele origin: germline.
Comment: This variant, c.4615_4617del, results in the deletion of 1 amino acid(s) of the SON protein (p.His1539del), but otherwise preserves the integrity of the reading frame. In summary, the available evidence is currently insufficient to determine the role of this variant in disease. Therefore, it has been classified as a Variant of Uncertain Significance. Experimental studies and prediction algorithms are not available or were not evaluated, and the functional significance of this variant is currently unknown. This variant has not been reported in the literature in individuals affected with SON-related conditions. This variant is present in population databases (rs761476767, gnomAD 0.01%).